The following is an entry in ClinVar:

ClinVar aggregate classification (germline): Uncertain significance (1 of 4 stars; one submission).

Submission:

Labcorp Genetics (formerly Invitae), Labcorp
Classification: Uncertain significance. Last evaluated: 2023-05-05. Review status: criteria provided, single submitter. Criteria: Invitae Variant Classification Sherloc (09022015). Collection method: clinical testing. Allele origin: germline.
Comment: In summary, the available evidence is currently insufficient to determine the role of this variant in disease. Therefore, it has been classified as a Variant of Uncertain Significance. This variant has not been reported in the literature in individuals affected with ITM2B-related conditions. This variant is not present in population databases (gnomAD no frequency). This sequence change creates a premature translational stop signal (p.Lys163Serfs*4) in the ITM2B gene. It is expected to result in an absent or disrupted protein product. However, the current clinical and genetic evidence is not sufficient to establish whether loss-of-function variants in ITM2B cause disease.

NM_021999.5(ITM2B):c.488del (p.Lys163fs)

Gene: ITM2B (integral membrane protein 2B; plus strand). Cytogenetic location: 13q14.2.
Variant type: Deletion.
Coding change: c.488del on transcript NM_021999.5 (MANE Select); coding-DNA position 488, one base deleted (A; older notation c.488delA).
Protein change: p.Lys163fs; shifts the reading frame from lysine 163.
Molecular consequence: frameshift variant.
Genome position (GRCh38, 1-based): chr13:48,258,160, A deleted; the last of 2 consecutive A bases (chr13:48,258,159-48,258,160); deleting either gives the same sequence. VCF-style (leftmost placement, unchanged base first): chr13-48258158-TA-T. GRCh37 (hg19) VCF-style: chr13-48832294-TA-T.
Other names: short protein forms K163fs.
Identifiers: ClinVar variation 2859246 (VCV002859246.3), dbSNP rs2542059702, ClinGen allele CA2575413101.
Genomic context (GRCh38, chr13:48,258,158, plus strand): 5'-TAACTACACTGTATCTTTTTCTTCCCAGAAACTTACAGCCTATTTAGATCTTAACCTGGA[TA>T]AGTGCTATGTGATCCCTCTGAACACTTCCATTGTTATGCCACCCAGAAACCTACTGGAGT-3'